The following is an entry in ClinVar:

ClinVar aggregate classification (germline): Pathogenic/Likely pathogenic. Review status: criteria provided, multiple submitters, no conflicts (2 of 4 stars). 3 submissions from 3 submitters: Pathogenic (2); Likely pathogenic (1). Last evaluated 2024-08-02.

Conditions:
Pyruvate dehydrogenase E3-binding protein deficiency (PDHXD). Also called: E3-Binding Protein (Component X) Deficiency; Lacticacidemia due to PDX1 deficiency; LACTIC ACIDEMIA DUE TO DEFECT IN LIPOYL-CONTAINING COMPONENT X OF THE PYRUVATE DEHYDROGENASE COMPLEX; PYRUVATE HYDROGENASE E3-BINDING PROTEIN DEFICIENCY. Identifiers: Orphanet 255182, MedGen C1855553, MONDO:0009503, OMIM 245349.

Allele frequency attached by ClinVar (database versions not stated): ExAC 0.00001; gnomAD 0.00001; TOPMed 0.00001; ESP Exome Variant Server 0.00008.

Submissions (3):

Women's Health and Genetics/Laboratory Corporation of America, LabCorp
Classification: Pathogenic for Pyruvate dehydrogenase E3-binding protein deficiency. Last evaluated: 2024-08-02. Review status: criteria provided, single submitter. Criteria: LabCorp Variant Classification Summary - May 2015. Collection method: clinical testing. Allele origin: germline.
Comment: Variant summary: PDHX c.419_420delAT (p.His140ArgfsX2) results in a premature termination codon, predicted to cause a truncation of the encoded protein or absence of the protein due to nonsense mediated decay, which are commonly known mechanisms for disease. The variant allele was found at a frequency of 4e-06 in 251376 control chromosomes. To our knowledge, no occurrence of c.419_420delAT in individuals affected with Pyruvate Dehydrogenase E3-Binding Protein Deficiency and no experimental evidence demonstrating its impact on protein function have been reported. ClinVar contains an entry for this variant (Variation ID: 2782785). Based on the evidence outlined above, the variant was classified as pathogenic.

Fulgent Genetics
Classification: Likely pathogenic for Pyruvate dehydrogenase E3-binding protein deficiency. Last evaluated: 2024-06-06. Review status: criteria provided, single submitter. Criteria: ACMG Guidelines, 2015. Collection method: clinical testing. Allele origin: germline.

Labcorp Genetics (formerly Invitae), Labcorp
Classification: Pathogenic. Last evaluated: 2023-04-12. Review status: criteria provided, single submitter. Criteria: Invitae Variant Classification Sherloc (09022015). Collection method: clinical testing. Allele origin: germline.
Comment: For these reasons, this variant has been classified as Pathogenic. This variant has not been reported in the literature in individuals affected with PDHX-related conditions. This variant is not present in population databases (gnomAD no frequency). This sequence change creates a premature translational stop signal (p.His140Argfs*2) in the PDHX gene. It is expected to result in an absent or disrupted protein product. Loss-of-function variants in PDHX are known to be pathogenic (PMID: 16904023, 21914562).

Literature cited by the submitters: PubMed 16904023 (cited by Labcorp Genetics (formerly Invitae), Labcorp); PubMed 21914562 (cited by Labcorp Genetics (formerly Invitae), Labcorp).

NM_003477.3(PDHX):c.419_420del (p.His140fs)

Gene: PDHX (pyruvate dehydrogenase complex component X; plus strand). Cytogenetic location: 11p13.
Variant type: Deletion.
Coding change: c.419_420del on transcript NM_003477.3 (MANE Select); coding-DNA positions 419 to 420, 2 bases deleted (AT; older notation c.419_420delAT).
Protein change: p.His140fs; shifts the reading frame from histidine 140.
Molecular consequence: frameshift variant. On other transcripts: intron variant (1).
Genome position (GRCh38, 1-based): chr11:34,957,460-34,957,461, AT deleted. VCF-style (leftmost placement, unchanged base first): chr11-34957459-CAT-C. GRCh37 (hg19) VCF-style: chr11-34979006-CAT-C.
Other names: c.419_420delAT (NM_003477.3); c.239_240del, p.His80fs (NM_001135024.2); c.342+9854_342+9855del (NM_001166158.2); short protein forms H80fs, H140fs.
Identifiers: ClinVar variation 2782785 (VCV002782785.5), dbSNP rs756985515, ClinGen allele CA5945865.